The following is an entry in ClinVar:

ClinVar aggregate classification (germline): Pathogenic (1 of 4 stars; one submission).

Conditions:
Progressive microcephaly-seizures-cortical blindness-developmental delay syndrome. Also called: Seizures, cortical blindness, and microcephaly syndrome. Identifiers: Orphanet 477814, MedGen C5567650, MONDO:0014714, OMIM 616632.
Autosomal dominant nonsyndromic hearing loss 1. Also called: DEAFNESS, AUTOSOMAL DOMINANT 1, WITH OR WITHOUT THROMBOCYTOPENIA; KONIGSMARK SYNDROME. Identifiers: Orphanet 90635, MedGen C1852282, MONDO:0007424, OMIM 124900.

Submission:

Labcorp Genetics (formerly Invitae), Labcorp
Classification: Pathogenic for Progressive microcephaly-seizures-cortical blindness-developmental delay syndrome; Autosomal dominant nonsyndromic hearing loss 1. Last evaluated: 2025-06-02. Review status: criteria provided, single submitter. Criteria: Invitae Variant Classification Sherloc (09022015). Collection method: clinical testing. Allele origin: germline.
Comment: This sequence change creates a premature translational stop signal (p.Trp784Cysfs*19) in the DIAPH1 gene. It is expected to result in an absent or disrupted protein product. Loss-of-function variants in DIAPH1 are known to be pathogenic (PMID: 24781755, 26463574). This variant is not present in population databases (gnomAD no frequency). This variant has not been reported in the literature in individuals affected with DIAPH1-related conditions. ClinVar contains an entry for this variant (Variation ID: 2095210). For these reasons, this variant has been classified as Pathogenic.

Literature cited by the submitters: PubMed 24781755; PubMed 26463574.

NM_005219.5(DIAPH1):c.2350_2351dup (p.Trp784fs)

Gene: DIAPH1 (diaphanous related formin 1; minus strand). Cytogenetic location: 5q31.3.
Variant type: Duplication.
Coding change: c.2350_2351dup on transcript NM_005219.5 (MANE Select); coding-DNA positions 2350 to 2351, 2 bases duplicated (TG; older notation c.2350_2351dupTG).
Protein change: p.Trp784fs; shifts the reading frame from tryptophan 784.
Molecular consequence: frameshift variant.
Genome position (GRCh38, 1-based): chr5:141,573,499-141,573,500, CA duplicated on the plus strand (TG on the coding strand, the reverse complement: DIAPH1 is on the minus strand). VCF-style (leftmost placement, unchanged base first): chr5-141573498-C-CCA. GRCh37 (hg19) VCF-style: chr5-140953065-C-CCA.
Other names: c.2323_2324dup, p.Trp775fs (NM_001079812.3); c.2350_2351dup, p.Trp784fs (NM_001314007.2); short protein forms W784fs, W775fs.
Identifiers: ClinVar variation 2095210 (VCV002095210.4), dbSNP rs2513738067, ClinGen allele CA2580072991.
Genomic context (GRCh38, chr5:141,573,498, plus strand): 5'-AAAAAAAAAAAAAAAAAAAGATTGACTGGTGAAGAAATAGACAGAAACTCTTACCTTGGA[C>CCA]CAGTTTGGCCTCCGGAGCTGCACCTCTGGCTTATAAAGCTTTTTGGGGGTTAATCCAAAT-3'